The following is an entry in ClinVar:

ClinVar aggregate classification (germline): Uncertain significance (1 of 4 stars; one submission).

Conditions:
Cranioectodermal dysplasia 1 (CED1). Also called: LEVIN SYNDROME I. Identifiers: Orphanet 1515, MedGen C0432235, MONDO:0021093, OMIM 218330.

Submission:

Labcorp Genetics (formerly Invitae), Labcorp
Classification: Uncertain significance for Cranioectodermal dysplasia 1. Last evaluated: 2022-07-30. Review status: criteria provided, single submitter. Criteria: Invitae Variant Classification Sherloc (09022015). Collection method: clinical testing. Allele origin: germline.
Comment: In summary, the available evidence is currently insufficient to determine the role of this variant in disease. Therefore, it has been classified as a Variant of Uncertain Significance. Algorithms developed to predict the effect of missense changes on protein structure and function output the following: SIFT: "Tolerated"; PolyPhen-2: "Benign"; Align-GVGD: "Class C15". The alanine amino acid residue is found in multiple mammalian species, which suggests that this missense change does not adversely affect protein function. This sequence change replaces serine, which is neutral and polar, with alanine, which is neutral and non-polar, at codon 509 of the IFT122 protein (p.Ser509Ala). This variant is not present in population databases (gnomAD no frequency). This variant has not been reported in the literature in individuals affected with IFT122-related conditions.

NM_052989.3(IFT122):c.1372T>G (p.Ser458Ala)

Gene: IFT122 (intraflagellar transport 122; plus strand). Cytogenetic location: 3q21.3.
Variant type: single nucleotide variant.
Coding change: c.1372T>G on transcript NM_052989.3 (MANE Select); coding-DNA position 1372, T replaced by G.
Protein change: p.Ser458Ala; replaces serine 458 with alanine.
Molecular consequence: missense variant.
Genome position (GRCh38, 1-based): chr3:129,479,806, T>G. VCF-style: chr3-129479806-T-G. GRCh37 (hg19) VCF-style: chr3-129198649-T-G.
Other names: c.1348T>G, p.Ser450Ala (NM_001280541.2); c.922T>G, p.Ser308Ala (NM_001280545.2); c.745T>G, p.Ser249Ala (NM_001280546.2); c.1372T>G, p.Ser458Ala (NM_001410808.1, NM_001410809.1); c.1195T>G, p.Ser399Ala (NM_001410810.1, NM_001410811.1, NM_001410813.1 and 1 more transcripts); c.1039T>G, p.Ser347Ala (NM_001410815.1, NM_001410817.1, NM_052990.3); c.1525T>G, p.Ser509Ala (NM_052985.4); short protein forms S249A, S308A, S347A, S399A, S450A, S458A, S509A.
Identifiers: ClinVar variation 1713543 (VCV001713543.5), dbSNP rs2531844609, ClinGen allele CA354475193.